The following is an entry in ClinVar:

NM_000048.4(ASL):c.586G>A (p.Val196Ile)

Gene: ASL (argininosuccinate lyase; plus strand). Cytogenetic location: 7q11.21.
Variant type: single nucleotide variant.
Coding change: c.586G>A on transcript NM_000048.4 (MANE Select); coding-DNA position 586, G replaced by A.
Protein change: p.Val196Ile; replaces valine 196 with isoleucine.
Molecular consequence: missense variant. On other transcripts: intron variant (1).
Genome position (GRCh38, 1-based): chr7:66,086,805, G>A. VCF-style: chr7-66086805-G-A. GRCh37 (hg19) VCF-style: chr7-65551792-G-A.
Other names: c.586G>A, p.Val196Ile (NM_001024944.2, NM_001024943.2); c.524+143G>A (NM_001024946.2); c.586G>A (NM_000048.3); short protein forms V196I.
Identifiers: ClinVar variation 1928409 (VCV001928409.6), dbSNP rs2485008854, ClinGen allele CA367642721.

ClinVar aggregate classification (germline): Uncertain significance. Review status: criteria provided, multiple submitters, no conflicts (2 of 4 stars). 2 submissions from 2 submitters: Uncertain significance (2). Last evaluated 2024-06-16.

Conditions:
Inborn genetic diseases. Identifiers: MedGen C0950123, MeSH D030342.
Argininosuccinate lyase deficiency. Also called: ARGININOSUCCINIC ACID LYASE DEFICIENCY; ASL DEFICIENCY; Argininosuccinic aciduria. Identifiers: Orphanet 23, MedGen C0268547, MONDO:0008815, OMIM 207900, HP:0025630.

Submissions (2):

Ambry Genetics
Classification: Uncertain significance for Inborn genetic diseases. Last evaluated: 2024-06-16. Review status: criteria provided, single submitter. Criteria: Ambry Variant Classification Scheme 2023. Collection method: clinical testing. Allele origin: germline.

Labcorp Genetics (formerly Invitae), Labcorp
Classification: Uncertain significance for Argininosuccinate lyase deficiency. Last evaluated: 2022-07-04. Review status: criteria provided, single submitter. Criteria: Invitae Variant Classification Sherloc (09022015). Collection method: clinical testing. Allele origin: germline.
Comment: In summary, the available evidence is currently insufficient to determine the role of this variant in disease. Therefore, it has been classified as a Variant of Uncertain Significance. Advanced modeling of protein sequence and biophysical properties (such as structural, functional, and spatial information, amino acid conservation, physicochemical variation, residue mobility, and thermodynamic stability) performed at Invitae indicates that this missense variant is not expected to disrupt ASL protein function. This variant has not been reported in the literature in individuals affected with ASL-related conditions. This variant is not present in population databases (gnomAD no frequency). This sequence change replaces valine, which is neutral and non-polar, with isoleucine, which is neutral and non-polar, at codon 196 of the ASL protein (p.Val196Ile).